The following is an entry in ClinVar:

ClinVar aggregate classification (germline): Uncertain significance (1 of 4 stars; one submission).

Allele frequency attached by ClinVar (database versions not stated): TOPMed below 0.00001.
gnomAD v4.1: 3 of 1,613,740 alleles (0.00019%); highest among the groups gnomAD compares: East Asian, 0.0022%; no homozygotes.

Submission:

Labcorp Genetics (formerly Invitae), Labcorp
Classification: Uncertain significance. Last evaluated: 2022-06-24. Review status: criteria provided, single submitter. Criteria: Invitae Variant Classification Sherloc (09022015). Collection method: clinical testing. Allele origin: germline.
Comment: This sequence change replaces glycine, which is neutral and non-polar, with arginine, which is basic and polar, at codon 268 of the IDH3A protein (p.Gly268Arg). In summary, the available evidence is currently insufficient to determine the role of this variant in disease. Therefore, it has been classified as a Variant of Uncertain Significance. Algorithms developed to predict the effect of missense changes on protein structure and function (SIFT, PolyPhen-2, Align-GVGD) all suggest that this variant is likely to be disruptive. This variant has not been reported in the literature in individuals affected with IDH3A-related conditions. This variant is present in population databases (no rsID available, gnomAD 0.003%).

NM_005530.3(IDH3A):c.802G>A (p.Gly268Arg)

Gene: IDH3A (isocitrate dehydrogenase (NAD(+)) 3 catalytic subunit alpha; plus strand). Cytogenetic location: 15q25.1.
Variant type: single nucleotide variant.
Coding change: c.802G>A on transcript NM_005530.3 (MANE Select); coding-DNA position 802, G replaced by A.
Protein change: p.Gly268Arg; replaces glycine 268 with arginine.
Molecular consequence: missense variant.
Genome position (GRCh38, 1-based): chr15:78,165,014, G>A. VCF-style: chr15-78165014-G-A. GRCh37 (hg19) VCF-style: chr15-78457356-G-A.
Other names: short protein forms G268R.
Identifiers: ClinVar variation 1383523 (VCV001383523.6), dbSNP rs1429951757, ClinGen allele CA393545860.